The following is an entry in ClinVar:

NM_000329.3(RPE65):c.20A>G (p.His7Arg)

Gene: RPE65 (retinoid isomerohydrolase RPE65; minus strand). Cytogenetic location: 1p31.3.
Variant type: single nucleotide variant.
Coding change: c.20A>G on transcript NM_000329.3 (MANE Select); coding-DNA position 20, A replaced by G.
Protein change: p.His7Arg; replaces histidine 7 with arginine.
Molecular consequence: missense variant.
Genome position (GRCh38, 1-based): chr1:68,448,698, T>C on the plus strand (A>G on the coding strand, the complement: RPE65 is on the minus strand). VCF-style: chr1-68448698-T-C. GRCh37 (hg19) VCF-style: chr1-68914381-T-C.
Other names: c.20A>G, p.His7Arg (NM_001406853.1, NM_001406859.1, NM_001406860.1); c.-106A>G (NM_001406856.1); c.20A>G (NM_000329.2); short protein forms H7R.
Identifiers: ClinVar variation 1715580 (VCV001715580.7), dbSNP rs2523458658, ClinGen allele CA340750334.
Genomic context (GRCh38, chr1:68,448,698, plus strand): 5'-GTGAGCGGCGAGGACAGTTCCTCCACAGTTTCAAACAGTTTCTTGTAACCACCAGCAGGA[T>C]GCTCAACCCTGAAATGGTGGAAGAATAAGGAAGAAGCCCATGTTGATGCTCAAAGTCCGC-3'
Protein context (NP_000320.1, residues 1-17): MSIQVE[His7Arg]PAGGYKKLFE

ClinVar aggregate classification (germline): Uncertain significance. Review status: criteria provided, single submitter (1 of 4 stars). 3 submissions from 3 submitters: Uncertain significance (1). 2 of the submissions do not count toward it. Last evaluated 2022-08-07.

Conditions:
Retinal dystrophy. Also called: Inherited retinal dystrophy. Identifiers: Orphanet 71862, MedGen C0854723, MeSH D058499, MONDO:0019118, HP:0000556.
Leber congenital amaurosis (LCA). Also called: Leber's amaurosis. Identifiers: Orphanet 65, MedGen C0339527, MeSH D057130, MONDO:0018998.
Retinitis pigmentosa 20 (RP20). Identifiers: Orphanet 791, MedGen C3151086, MONDO:0013425, OMIM 613794.
Leber congenital amaurosis 2 (LCA2). Also called: AMAUROSIS CONGENITA OF LEBER II; Autosomal Recessive RPE65-Related Retinal Degeneration. Identifiers: Orphanet 65, MedGen C1859844, MONDO:0008765, OMIM 204100. Disease mechanism: loss of function.

Allele frequency attached by ClinVar (database versions not stated): gnomAD exomes below 0.00001.
gnomAD v4.1: 1 of 1,613,414 alleles (0.000062%); highest among the groups gnomAD compares: South Asian, 0.0011%; no homozygotes.

Submissions (3):

Labcorp Genetics (formerly Invitae), Labcorp
Classification: Uncertain significance for Leber congenital amaurosis 2; Retinitis pigmentosa 20. Last evaluated: 2022-08-07. Review status: criteria provided, single submitter. Criteria: Invitae Variant Classification Sherloc (09022015). Collection method: clinical testing. Allele origin: germline.
Comment: This sequence change replaces histidine, which is basic and polar, with arginine, which is basic and polar, at codon 7 of the RPE65 protein (p.His7Arg). In summary, the available evidence is currently insufficient to determine the role of this variant in disease. Therefore, it has been classified as a Variant of Uncertain Significance. Algorithms developed to predict the effect of missense changes on protein structure and function are either unavailable or do not agree on the potential impact of this missense change (SIFT: "Tolerated"; PolyPhen-2: "Probably Damaging"; Align-GVGD: "Class C0"). This variant has not been reported in the literature in individuals affected with RPE65-related conditions. This variant is not present in population databases (gnomAD no frequency).

Natera, Inc.
Classification: Uncertain significance for Leber congenital amaurosis. Last evaluated: 2025-04-18. Review status: no assertion criteria provided. Collection method: clinical testing. Allele origin: germline. Not counted in ClinVar's aggregate classification.

Institute of Human Genetics, Univ. Regensburg, Univ. Regensburg
Classification: Uncertain significance for Retinal dystrophy. Last evaluated: 2017-01-01. Review status: no assertion criteria provided. Criteria: ACMG Guidelines, 2015. Collection method: clinical testing. Allele origin: germline. Affected: yes. Not counted in ClinVar's aggregate classification.